The following is an entry in ClinVar:

ClinVar aggregate classification (germline): Uncertain significance (1 of 4 stars; one submission).

Allele frequency attached by ClinVar (database versions not stated): ExAC 0.00002.
gnomAD v4.1: 4 of 1,608,140 alleles (0.00025%); highest among the groups gnomAD compares: Admixed American, 0.0017%; no homozygotes.

Submission:

Labcorp Genetics (formerly Invitae), Labcorp
Classification: Uncertain significance. Last evaluated: 2023-07-17. Review status: criteria provided, single submitter. Criteria: Invitae Variant Classification Sherloc (09022015). Collection method: clinical testing. Allele origin: germline.
Comment: In summary, the available evidence is currently insufficient to determine the role of this variant in disease. Therefore, it has been classified as a Variant of Uncertain Significance. An algorithm developed to predict the effect of missense changes on protein structure and function (PolyPhen-2) suggests that this variant is likely to be disruptive. This variant has not been reported in the literature in individuals affected with DEAF1-related conditions. This variant is present in population databases (rs767702509, gnomAD 0.003%). This sequence change replaces aspartic acid, which is acidic and polar, with glutamic acid, which is acidic and polar, at codon 532 of the DEAF1 protein (p.Asp532Glu).

NM_021008.4(DEAF1):c.1596C>G (p.Asp532Glu)

Gene: DEAF1 (DEAF1 transcription factor; minus strand). Cytogenetic location: 11p15.5.
Variant type: single nucleotide variant.
Coding change: c.1596C>G on transcript NM_021008.4 (MANE Select); coding-DNA position 1596, C replaced by G.
Protein change: p.Asp532Glu; replaces aspartic acid 532 with glutamic acid.
Molecular consequence: missense variant.
Genome position (GRCh38, 1-based): chr11:644,652, G>C on the plus strand (C>G on the coding strand, the complement: DEAF1 is on the minus strand). VCF-style: chr11-644652-G-C. GRCh37 (hg19) VCF-style: chr11-644652-G-C.
Other names: c.1371C>G, p.Asp457Glu (NM_001293634.2); c.870C>G, p.Asp290Glu (NM_001367390.1); short protein forms D290E, D457E, D532E.
Identifiers: ClinVar variation 2899771 (VCV002899771.3), dbSNP rs767702509, ClinGen allele CA5786113.